The following is an entry in ClinVar:

NM_024753.5(TTC21B):c.2101C>G (p.His701Asp)

Gene: TTC21B (tetratricopeptide repeat domain 21B; minus strand). Cytogenetic location: 2q24.3.
Variant type: single nucleotide variant.
Coding change: c.2101C>G on transcript NM_024753.5 (MANE Select); coding-DNA position 2101, C replaced by G.
Protein change: p.His701Asp; replaces histidine 701 with aspartic acid.
Molecular consequence: missense variant.
Genome position (GRCh38, 1-based): chr2:165,915,238, G>C on the plus strand (C>G on the coding strand, the complement: TTC21B is on the minus strand). VCF-style: chr2-165915238-G-C. GRCh37 (hg19) VCF-style: chr2-166771748-G-C.
Other names: c.2101C>G (NM_024753.4, NM_024753.3); short protein forms H701D.
Identifiers: ClinVar variation 2137475 (VCV002137475.6), dbSNP rs1403298131, ClinGen allele CA349058622.

ClinVar aggregate classification (germline): Uncertain significance. Review status: criteria provided, multiple submitters, no conflicts (2 of 4 stars). 4 submissions from 4 submitters: Uncertain significance (3). 1 of the submissions does not count toward it. Last evaluated 2025-12-11.

Conditions:
Nephronophthisis 12 (NPHP12). Identifiers: Orphanet 655, MedGen C3151186, MONDO:0013442, OMIM 613820.
Asphyxiating thoracic dystrophy 4 (SRTD4). Also called: SHORT-RIB THORACIC DYSPLASIA 4 WITH OR WITHOUT POLYDACTYLY; SHORT-RIB THORACIC DYSPLASIA 4. Identifiers: Orphanet 474, MedGen C3151185, MONDO:0013441, OMIM 613819.
Inborn genetic diseases. Identifiers: MedGen C0950123, MeSH D030342.
TTC21B-related disorder. Also called: TTC21B-related condition; TTC21B-related disorders.
Jeune thoracic dystrophy. Also called: Jeune syndrome; Infantile thoracic dystrophy; Thoracic pelvic phalangeal dystrophy; Jeune's syndrome; Chondroectodermal dysplasia-like syndrome; Short-rib thoracic dysplasia. Identifiers: Orphanet 474, MedGen C0265275, MONDO:0018770.
Nephronophthisis. Also called: Juvenile Nephronophthisis. Identifiers: Orphanet 655, MedGen C0687120, MONDO:0019005, HP:0000090.

Allele frequency attached by ClinVar (database versions not stated): TOPMed below 0.00001.

Submissions (4):

Ambry Genetics
Classification: Uncertain significance for Inborn genetic diseases. Last evaluated: 2025-12-11. Review status: criteria provided, single submitter. Criteria: Ambry Variant Classification Scheme 2023. Collection method: clinical testing. Allele origin: germline.

Labcorp Genetics (formerly Invitae), Labcorp
Classification: Uncertain significance for Jeune thoracic dystrophy; Nephronophthisis. Last evaluated: 2024-04-15. Review status: criteria provided, single submitter. Criteria: Invitae Variant Classification Sherloc (09022015). Collection method: clinical testing. Allele origin: germline.
Comment: This sequence change replaces histidine, which is basic and polar, with aspartic acid, which is acidic and polar, at codon 701 of the TTC21B protein (p.His701Asp). This variant is present in population databases (no rsID available, gnomAD 0.007%). This variant has not been reported in the literature in individuals affected with TTC21B-related conditions. ClinVar contains an entry for this variant (Variation ID: 2137475). Advanced modeling of protein sequence and biophysical properties (such as structural, functional, and spatial information, amino acid conservation, physicochemical variation, residue mobility, and thermodynamic stability) performed at Invitae indicates that this missense variant is not expected to disrupt TTC21B protein function with a negative predictive value of 95%. In summary, the available evidence is currently insufficient to determine the role of this variant in disease. Therefore, it has been classified as a Variant of Uncertain Significance.

Fulgent Genetics
Classification: Uncertain significance for Asphyxiating thoracic dystrophy 4; Nephronophthisis 12. Last evaluated: 2024-04-11. Review status: criteria provided, single submitter. Criteria: ACMG Guidelines, 2015. Collection method: clinical testing. Allele origin: germline.

PreventionGenetics, part of Exact Sciences
Classification: Uncertain significance for TTC21B-related condition. Last evaluated: 2024-01-02. Review status: no assertion criteria provided. Collection method: clinical testing. Allele origin: germline. Not counted in ClinVar's aggregate classification.
Comment: The TTC21B c.2101C>G variant is predicted to result in the amino acid substitution p.His701Asp. To our knowledge, this variant has not been reported in the literature. This variant is reported in 0.0065% of alleles in individuals of European (Non-Finnish) descent in gnomAD. At this time, the clinical significance of this variant is uncertain due to the absence of conclusive functional and genetic evidence.